The following is an entry in ClinVar:

ClinVar aggregate classification (germline): Likely benign (0 of 4 stars; one submission).

Conditions:
ZNF512B-related disorder. Also called: ZNF512B-related condition.

Allele frequency attached by ClinVar (database versions not stated): ExAC 0.00038; 1000 Genomes Project 0.00100; 1000 Genomes Project 30x 0.00125; ESP Exome Variant Server 0.00231.

Submission:

PreventionGenetics, part of Exact Sciences
Classification: Likely benign for ZNF512B-related condition. Last evaluated: 2022-05-17. Review status: no assertion criteria provided. Collection method: clinical testing. Allele origin: germline.
Comment: This variant is classified as likely benign based on ACMG/AMP sequence variant interpretation guidelines (Richards et al. 2015 PMID: 25741868, with internal and published modifications).

NM_020713.3(ZNF512B):c.2332G>T (p.Ala778Ser)

Gene: ZNF512B (zinc finger protein 512B; minus strand). Cytogenetic location: 20q13.33.
Variant type: single nucleotide variant.
Coding change: c.2332G>T on transcript NM_020713.3 (MANE Select); coding-DNA position 2332, G replaced by T.
Protein change: p.Ala778Ser; replaces alanine 778 with serine.
Molecular consequence: missense variant.
Genome position (GRCh38, 1-based): chr20:63,961,404, C>A on the plus strand (G>T on the coding strand, the complement: ZNF512B is on the minus strand). VCF-style: chr20-63961404-C-A. GRCh37 (hg19) VCF-style: chr20-62592757-C-A.
Other names: short protein forms A778S.
Identifiers: ClinVar variation 3049856 (VCV003049856.2), dbSNP rs143832625, ClinGen allele CA9970773.